The following is an entry in ClinVar:

NM_006642.5(SDCCAG8):c.1828C>G (p.Leu610Val)

Gene: SDCCAG8 (SHH signaling and ciliogenesis regulator SDCCAG8; plus strand). Cytogenetic location: 1q43.
Variant type: single nucleotide variant.
Coding change: c.1828C>G on transcript NM_006642.5 (MANE Select); coding-DNA position 1828, C replaced by G.
Protein change: p.Leu610Val; replaces leucine 610 with valine.
Molecular consequence: missense variant.
Genome position (GRCh38, 1-based): chr1:243,418,051, C>G. VCF-style: chr1-243418051-C-G. GRCh37 (hg19) VCF-style: chr1-243581353-C-G.
Other names: c.925C>G, p.Leu309Val (NM_001350246.2, NM_001350247.2, NM_001350251.2); c.1924C>G, p.Leu642Val (NM_001350248.2); c.1534C>G, p.Leu512Val (NM_001350249.2); short protein forms L309V, L512V, L610V, L642V.
Identifiers: ClinVar variation 3352093 (VCV003352093.2).

ClinVar aggregate classification (germline): Uncertain significance. Review status: criteria provided, single submitter (1 of 4 stars). 2 submissions from 2 submitters: Uncertain significance (1). 1 of the submissions does not count toward it. Last evaluated 2024-04-26.

Conditions:
Senior-Loken syndrome 7 (SLSN7). Identifiers: Orphanet 3156, MedGen C3150877, MONDO:0013326, OMIM 613615.
Bardet-Biedl syndrome 16 (BBS16). Identifiers: Orphanet 110, MedGen C3889474, MONDO:0014444, OMIM 615993.
SDCCAG8-related disorder. Also called: SDCCAG8-Related Disorders; SDCCAG8-related condition.

gnomAD v4.1: 9 of 1,612,464 alleles (0.00056%); highest among the groups gnomAD compares: Admixed American, 0.0017%; no homozygotes.

Submissions (2):

Fulgent Genetics
Classification: Uncertain significance for Senior-Loken syndrome 7; Bardet-Biedl syndrome 16. Last evaluated: 2024-04-26. Review status: criteria provided, single submitter. Criteria: ACMG Guidelines, 2015. Collection method: clinical testing. Allele origin: germline.

PreventionGenetics, part of Exact Sciences
Classification: Uncertain significance for SDCCAG8-related condition. Last evaluated: 2024-05-03. Review status: no assertion criteria provided. Collection method: clinical testing. Allele origin: germline. Not counted in ClinVar's aggregate classification.
Comment: The SDCCAG8 c.1828C>G variant is predicted to result in the amino acid substitution p.Leu610Val. To our knowledge, this variant has not been reported in the literature or in a large population database, indicating this variant is rare. At this time, the clinical significance of this variant is uncertain due to the absence of conclusive functional and genetic evidence.